The following is an entry in ClinVar:

ClinVar aggregate classification (germline): Likely benign (1 of 4 stars; one submission).

Allele frequency attached by ClinVar (database versions not stated): 1000 Genomes Project 30x 0.00016; 1000 Genomes Project 0.00020; ESP Exome Variant Server 0.00046; ExAC 0.00061; gnomAD 0.00069; TOPMed 0.00080.
gnomAD v4.1: 1,145 of 1,609,172 alleles (0.071%); highest among the groups gnomAD compares: Middle Eastern, 0.13%; 4 homozygotes.

Submission:

CeGaT Center for Human Genetics Tuebingen
Classification: Likely benign. Last evaluated: 2024-06-01. Review status: criteria provided, single submitter. Criteria: CeGaT Center For Human Genetics Tuebingen Variant Classification Criteria Version 2. Collection method: clinical testing. Allele origin: germline. Affected: yes. Observed: 1 variant allele.
Comment: EIF4G3: BP4, BP7

NM_001391906.1(EIF4G3):c.4458C>T (p.Leu1486=)

Gene: EIF4G3 (eukaryotic translation initiation factor 4 gamma 3; minus strand). Cytogenetic location: 1p36.12.
Variant type: single nucleotide variant.
Coding change: c.4458C>T on transcript NM_001391906.1 (MANE Select); coding-DNA position 4458, C replaced by T.
Protein change: p.Leu1486=; no amino-acid change (leucine 1486 retained).
Molecular consequence: synonymous variant.
Genome position (GRCh38, 1-based): chr1:20,817,449, G>A on the plus strand (C>T on the coding strand, the complement: EIF4G3 is on the minus strand). VCF-style: chr1-20817449-G-A. GRCh37 (hg19) VCF-style: chr1-21143942-G-A.
Other names: c.4398C>T, p.Leu1466= (NM_001198801.3); c.4308C>T, p.Leu1436= (NM_001198802.3); c.4290C>T, p.Leu1430= (NM_001391892.1, NM_001391893.1, NM_001391894.1 and 1 more transcripts); c.4287C>T, p.Leu1429= (NM_001391896.1, NM_001391899.1, NM_001391900.1); c.4143C>T, p.Leu1381= (NM_001391897.1); c.4323C>T, p.Leu1441= (NM_001391898.1); c.4311C>T, p.Leu1437= (NM_001391901.1); c.4401C>T, p.Leu1467= (NM_001391902.1, NM_001391903.1, NM_001391904.1); and 2 more.
Identifiers: ClinVar variation 3250528 (VCV003250528.18), dbSNP rs138556551.